The following is an entry in ClinVar:

ClinVar aggregate classification (germline): Uncertain significance (1 of 4 stars; one submission).

Conditions:
KBG syndrome (KBGS). Also called: ANKRD11-Related KBG Syndrome. Identifiers: Orphanet 2332, MedGen C0220687, MONDO:0007846, OMIM 148050.

Allele frequency attached by ClinVar (database versions not stated): gnomAD exomes 0.00001; gnomAD 0.00002; TOPMed 0.00002.
gnomAD v4.1: 13 of 1,614,028 alleles (0.00081%); highest among the groups gnomAD compares: African/African-American, 0.0053%; no homozygotes.

Submission:

Labcorp Genetics (formerly Invitae), Labcorp
Classification: Uncertain significance for KBG syndrome. Last evaluated: 2025-10-23. Review status: criteria provided, single submitter. Criteria: Invitae Variant Classification Sherloc (09022015). Collection method: clinical testing. Allele origin: germline.
Comment: This sequence change replaces glycine, which is neutral and non-polar, with arginine, which is basic and polar, at codon 1616 of the ANKRD11 protein (p.Gly1616Arg). This variant is present in population databases (no rsID available, gnomAD 0.01%). This variant has not been reported in the literature in individuals affected with ANKRD11-related conditions. ClinVar contains an entry for this variant (Variation ID: 2732080). Invitae Evidence Modeling of protein sequence and biophysical properties (such as structural, functional, and spatial information, amino acid conservation, physicochemical variation, residue mobility, and thermodynamic stability) indicates that this missense variant is not expected to disrupt ANKRD11 protein function with a negative predictive value of 95%. In summary, the available evidence is currently insufficient to determine the role of this variant in disease. Therefore, it has been classified as a Variant of Uncertain Significance.

NM_013275.6(ANKRD11):c.4846G>A (p.Gly1616Arg)

Gene: ANKRD11 (ankyrin repeat domain 11; minus strand). Cytogenetic location: 16q24.3.
Variant type: single nucleotide variant.
Coding change: c.4846G>A on transcript NM_013275.6 (MANE Select); coding-DNA position 4846, G replaced by A.
Protein change: p.Gly1616Arg; replaces glycine 1616 with arginine.
Molecular consequence: missense variant.
Genome position (GRCh38, 1-based): chr16:89,281,696, C>T on the plus strand (G>A on the coding strand, the complement: ANKRD11 is on the minus strand). VCF-style: chr16-89281696-C-T. GRCh37 (hg19) VCF-style: chr16-89348104-C-T.
Other names: c.4846G>A, p.Gly1616Arg (NM_001256182.2, NM_001256183.2); short protein forms G1616R.
Identifiers: ClinVar variation 2732080 (VCV002732080.3), dbSNP rs1361881680, ClinGen allele CA397156663.